The following is an entry in ClinVar:

ClinVar aggregate classification (germline): Uncertain significance (1 of 4 stars; one submission).

Conditions:
Combined oxidative phosphorylation defect type 17. Also called: Combined oxidative phosphorylation deficiency 17. Identifiers: Orphanet 369913, MedGen C3809526, MONDO:0014190, OMIM 615440.

Submission:

Labcorp Genetics (formerly Invitae), Labcorp
Classification: Uncertain significance for Combined oxidative phosphorylation defect type 17. Last evaluated: 2023-08-16. Review status: criteria provided, single submitter. Criteria: Invitae Variant Classification Sherloc (09022015). Collection method: clinical testing. Allele origin: germline.
Comment: In summary, the available evidence is currently insufficient to determine the role of this variant in disease. Therefore, it has been classified as a Variant of Uncertain Significance. Advanced modeling of protein sequence and biophysical properties (such as structural, functional, and spatial information, amino acid conservation, physicochemical variation, residue mobility, and thermodynamic stability) performed at Invitae indicates that this missense variant is not expected to disrupt ELAC2 protein function. This variant has not been reported in the literature in individuals affected with ELAC2-related conditions. This variant is not present in population databases (gnomAD no frequency). This sequence change replaces serine, which is neutral and polar, with phenylalanine, which is neutral and non-polar, at codon 238 of the ELAC2 protein (p.Ser238Phe).

NM_018127.7(ELAC2):c.713C>T (p.Ser238Phe)

Gene: ELAC2 (elaC ribonuclease Z 2; minus strand). Cytogenetic location: 17p12.
Variant type: single nucleotide variant.
Coding change: c.713C>T on transcript NM_018127.7 (MANE Select); coding-DNA position 713, C replaced by T.
Protein change: p.Ser238Phe; replaces serine 238 with phenylalanine.
Molecular consequence: missense variant.
Genome position (GRCh38, 1-based): chr17:13,010,638, G>A on the plus strand (C>T on the coding strand, the complement: ELAC2 is on the minus strand). VCF-style: chr17-13010638-G-A. GRCh37 (hg19) VCF-style: chr17-12913955-G-A.
Other names: c.593C>T, p.Ser198Phe (NM_001165962.2); c.713C>T, p.Ser238Phe (NM_173717.2); short protein forms S198F, S238F.
Identifiers: ClinVar variation 2752653 (VCV002752653.3), dbSNP rs2508348944, ClinGen allele CA398216912.